The following is an entry in ClinVar:

ClinVar aggregate classification (germline): Conflicting classifications of pathogenicity. Review status: criteria provided, conflicting classifications (1 of 4 stars). 5 submissions from 5 submitters: Uncertain significance (4); Likely benign (1). Last evaluated 2026-01-18.

Conditions:
Jeune thoracic dystrophy. Also called: Jeune syndrome; Infantile thoracic dystrophy; Thoracic pelvic phalangeal dystrophy; Jeune's syndrome; Chondroectodermal dysplasia-like syndrome; Short-rib thoracic dysplasia. Identifiers: Orphanet 474, MedGen C0265275, MONDO:0018770.
Asphyxiating thoracic dystrophy 3. Also called: POLYDACTYLY WITH NEONATAL CHONDRODYSTROPHY, TYPE I; SHORT-RIB THORACIC DYSPLASIA 3/6 WITH POLYDACTYLY, DIGENIC; SHORT-RIB THORACIC DYSPLASIA 3 WITH OR WITHOUT POLYDACTYLY; Short rib polydactyly syndrome 2B; Saldino-Noonan Syndrome. Identifiers: Orphanet 474, Orphanet 93269, Orphanet 93270, Orphanet 93271, MedGen C0036069, MONDO:0013127, OMIM 613091.

Allele frequency attached by ClinVar (database versions not stated): TOPMed 0.00033.
gnomAD v4.1: 387 of 1,613,632 alleles (0.024%); highest among the groups gnomAD compares: Admixed American, 0.038%; no homozygotes.

Submissions (5):

Labcorp Genetics (formerly Invitae), Labcorp
Classification: Likely benign for Jeune thoracic dystrophy. Last evaluated: 2026-01-18. Review status: criteria provided, single submitter. Criteria: Invitae Variant Classification Sherloc (09022015). Collection method: clinical testing. Allele origin: germline.

GeneDx
Classification: Uncertain significance. Last evaluated: 2026-01-12. Review status: criteria provided, single submitter. Criteria: GeneDx Variant Classification Process June 2021. Collection method: clinical testing. Allele origin: germline. Affected: yes.
Comment: In silico analysis supports that this missense variant does not alter protein structure/function; Has not been previously published as pathogenic or benign to our knowledge; Observed without a second variant in an individual with short stature and bowed femurs reported by an outside laboratory

Blueprint Genetics
Classification: Uncertain significance. Last evaluated: 2024-11-18. Review status: criteria provided, single submitter. Criteria: ACMG Guidelines, 2015. Collection method: clinical testing. Allele origin: germline.

Illumina Laboratory Services, Illumina
Classification: Uncertain significance for Asphyxiating thoracic dystrophy 3. Last evaluated: 2018-01-13. Review status: criteria provided, single submitter. Criteria: ICSL Variant Classification Criteria 13 December 2019. Collection method: clinical testing. Allele origin: germline.

Eurofins Ntd Llc (ga)
Classification: Uncertain significance. Last evaluated: 2015-11-18. Review status: criteria provided, single submitter. Criteria: EGL Classification Definitions 2015. Collection method: clinical testing. Allele origin: germline. Observed: 1 variant allele, 1 heterozygote.

NM_001377.3(DYNC2H1):c.3794G>A (p.Arg1265His)

Gene: DYNC2H1 (dynein cytoplasmic 2 heavy chain 1; plus strand). Cytogenetic location: 11q22.3.
Variant type: single nucleotide variant.
Coding change: c.3794G>A on transcript NM_001377.3 (MANE Select); coding-DNA position 3794, G replaced by A.
Protein change: p.Arg1265His; replaces arginine 1265 with histidine.
Molecular consequence: missense variant.
Genome position (GRCh38, 1-based): chr11:103,156,437, G>A. VCF-style: chr11-103156437-G-A. GRCh37 (hg19) VCF-style: chr11-103027166-G-A.
Other names: c.3794G>A, p.Arg1265His (NM_001080463.2); short protein forms R1265H.
Identifiers: ClinVar variation 284622 (VCV000284622.20), dbSNP rs200635842, ClinGen allele CA6253416.